The following is an entry in ClinVar:

NM_001111.5(ADAR):c.2071G>A (p.Asp691Asn)

Gene: ADAR (adenosine deaminase RNA specific; minus strand). Cytogenetic location: 1q21.3.
Variant type: single nucleotide variant.
Coding change: c.2071G>A on transcript NM_001111.5 (MANE Select); coding-DNA position 2071, G replaced by A.
Protein change: p.Asp691Asn; replaces aspartic acid 691 with asparagine.
Molecular consequence: missense variant.
Genome position (GRCh38, 1-based): chr1:154,597,131, C>T on the plus strand (G>A on the coding strand, the complement: ADAR is on the minus strand). VCF-style: chr1-154597131-C-T. GRCh37 (hg19) VCF-style: chr1-154569607-C-T.
Other names: c.1186G>A, p.Asp396Asn (NM_001025107.3, NM_001193495.2, NM_001365046.1 and 3 more transcripts); c.2098G>A, p.Asp700Asn (NM_001365045.1); c.2071G>A, p.Asp691Asn (NM_015840.4, NM_015841.4); short protein forms D691N, D700N, D396N.
Identifiers: ClinVar variation 2937085 (VCV002937085.3), dbSNP rs2526594024, ClinGen allele CA342638093.

ClinVar aggregate classification (germline): Uncertain significance (1 of 4 stars; one submission).

Conditions:
Symmetrical dyschromatosis of extremities (DSH). Also called: RETICULATE ACROPIGMENTATION OF DOHI; SYMMETRIC DYSCHROMATOSIS OF THE EXTREMITIES; Dyschromatosis symmetrica hereditaria; DYSCHROMATOSIS SYMMETRICA HEREDITARIA 1. Identifiers: Orphanet 41, MedGen C0406775, MONDO:0007483, OMIM 127400.
Aicardi-Goutieres syndrome 6 (AGS6). Identifiers: Orphanet 51, MedGen C3539013, MONDO:0014007, OMIM 615010.

Submission:

Labcorp Genetics (formerly Invitae), Labcorp
Classification: Uncertain significance for Aicardi-Goutieres syndrome 6; Symmetrical dyschromatosis of extremities. Last evaluated: 2023-11-27. Review status: criteria provided, single submitter. Criteria: Invitae Variant Classification Sherloc (09022015). Collection method: clinical testing. Allele origin: germline.
Comment: This sequence change replaces aspartic acid, which is acidic and polar, with asparagine, which is neutral and polar, at codon 691 of the ADAR protein (p.Asp691Asn). This variant is not present in population databases (gnomAD no frequency). This variant has not been reported in the literature in individuals affected with ADAR-related conditions. Advanced modeling of protein sequence and biophysical properties (such as structural, functional, and spatial information, amino acid conservation, physicochemical variation, residue mobility, and thermodynamic stability) performed at Invitae indicates that this missense variant is not expected to disrupt ADAR protein function with a negative predictive value of 80%. In summary, the available evidence is currently insufficient to determine the role of this variant in disease. Therefore, it has been classified as a Variant of Uncertain Significance.